The following is an entry in ClinVar:

NM_005618.4(DLL1):c.991G>A (p.Glu331Lys)

Gene: DLL1 (delta like canonical Notch ligand 1; minus strand). Cytogenetic location: 6q27.
Variant type: single nucleotide variant.
Coding change: c.991G>A on transcript NM_005618.4 (MANE Select); coding-DNA position 991, G replaced by A.
Protein change: p.Glu331Lys; replaces glutamic acid 331 with lysine.
Molecular consequence: missense variant.
Genome position (GRCh38, 1-based): chr6:170,285,295, C>T on the plus strand (G>A on the coding strand, the complement: DLL1 is on the minus strand). VCF-style: chr6-170285295-C-T. GRCh37 (hg19) VCF-style: chr6-170594383-C-T.
Other names: c.991G>A (NM_005618.3); short protein forms E331K.
Identifiers: ClinVar variation 1534913 (VCV001534913.33), dbSNP rs139656180, ClinGen allele CA4106965.

ClinVar aggregate classification (germline): Likely benign. Review status: criteria provided, multiple submitters, no conflicts (2 of 4 stars). 4 submissions from 4 submitters: Likely benign (3). 1 of the submissions does not count toward it. Last evaluated 2026-02-01.

Conditions:
DLL1-related disorder. Also called: DLL1-related condition.

Allele frequency attached by ClinVar (database versions not stated): 1000 Genomes Project 30x 0.00031; 1000 Genomes Project 0.00040; ExAC 0.00057; gnomAD exomes 0.00058 and 0.00093; ESP Exome Variant Server 0.00069; gnomAD 0.00073 and 0.00076; TOPMed 0.00074.
gnomAD v4.1: 1,466 of 1,614,168 alleles (0.091%); highest among the groups gnomAD compares: Non-Finnish European, 0.11%; 2 homozygotes.

Submissions (5):

Labcorp Genetics (formerly Invitae), Labcorp
Classification: Likely benign. Last evaluated: 2026-02-01. Review status: criteria provided, single submitter. Criteria: Invitae Variant Classification Sherloc (09022015). Collection method: clinical testing. Allele origin: germline.

CeGaT Center for Human Genetics Tuebingen
Classification: Likely benign. Last evaluated: 2025-11-01. Review status: criteria provided, single submitter. Criteria: CeGaT Center For Human Genetics Tuebingen Variant Classification Criteria Version 2. Collection method: clinical testing. Allele origin: germline. Affected: yes. Observed: 3 variant alleles.
Comment: DLL1: BS1

Blueprint Genetics
Classification: Likely benign. Last evaluated: 2024-11-26. Review status: criteria provided, single submitter. Criteria: ACMG Guidelines, 2015. Collection method: clinical testing. Allele origin: germline.

PreventionGenetics, part of Exact Sciences
Classification: Likely benign for DLL1-related condition. Last evaluated: 2024-07-11. Review status: no assertion criteria provided. Collection method: clinical testing. Allele origin: germline. Not counted in ClinVar's aggregate classification.
Comment: This variant is classified as likely benign based on ACMG/AMP sequence variant interpretation guidelines (Richards et al. 2015 PMID: 25741868, with internal and published modifications).

Dr. Peter K. Rogan Lab, Western University
No classification provided (evidence only). Condition: Colon adenocarcinoma. Review status: no classification provided. Collection method: in vitro. Allele origin: not applicable. Functional consequence: retained intron. Not counted in ClinVar's aggregate classification.